The following is an entry in ClinVar:

ClinVar aggregate classification (germline): Uncertain significance (1 of 4 stars; one submission).

Conditions:
Hypertrophic cardiomyopathy. Also called: HYPERTROPHIC MYOCARDIOPATHY. Identifiers: Orphanet 217569, MedGen C0007194, MeSH D002312, MONDO:0005045, HP:0001639.

Submission:

Labcorp Genetics (formerly Invitae), Labcorp
Classification: Uncertain significance for Hypertrophic cardiomyopathy. Last evaluated: 2023-03-22. Review status: criteria provided, single submitter. Criteria: Invitae Variant Classification Sherloc (09022015). Collection method: clinical testing. Allele origin: germline.
Comment: In summary, the available evidence is currently insufficient to determine the role of this variant in disease. Therefore, it has been classified as a Variant of Uncertain Significance. This variant is not present in population databases (gnomAD no frequency). This variant has not been reported in the literature in individuals affected with MYH7-related conditions. Advanced modeling of protein sequence and biophysical properties (such as structural, functional, and spatial information, amino acid conservation, physicochemical variation, residue mobility, and thermodynamic stability) performed at Invitae indicates that this missense variant is not expected to disrupt MYH7 protein function. This sequence change replaces threonine, which is neutral and polar, with alanine, which is neutral and non-polar, at codon 1522 of the MYH7 protein (p.Thr1522Ala).

NM_000257.4(MYH7):c.4564A>G (p.Thr1522Ala)

Genes: MHRT (myosin heavy chain associated RNA transcript; plus strand), MYH7 (myosin heavy chain 7; minus strand). Cytogenetic location: 14q11.2.
Variant type: single nucleotide variant.
Coding change: c.4564A>G on transcript NM_000257.4 (MANE Select); coding-DNA position 4564, A replaced by G.
Protein change: p.Thr1522Ala; replaces threonine 1522 with alanine.
Molecular consequence: missense variant. On other transcripts: non-coding transcript variant (1).
Genome position (GRCh38, 1-based): chr14:23,416,948, T>C on the plus strand (A>G on the coding strand, the complement: MYH7 is on the minus strand). VCF-style: chr14-23416948-T-C. GRCh37 (hg19) VCF-style: chr14-23886157-T-C.
Other names: c.4564A>G, p.Thr1522Ala (NM_001407004.1); short protein forms T1522A.
Identifiers: ClinVar variation 2848544 (VCV002848544.3), dbSNP rs2502248701, ClinGen allele CA389038133.
Genomic context (GRCh38, chr14:23,416,948, plus strand): 5'-ACTGCAGCTCCATCTTCTCGGCCTCCAGCTGCTTTCGGACCTTCTCCAGCTCATGGATAG[T>C]CTTTCCGCTGGAACCCAACTGCTCAGTCAAGTCGGAGATCTCCTCTGTGTGGGGAACACG-3'
Protein context (NP_000248.2, residues 1512-1532): LTEQLGSSGK[Thr1522Ala]IHELEKVRKQ